The following is an entry in ClinVar:

NM_021815.5(SLC5A7):c.1601del (p.Asn534fs)

Gene: SLC5A7 (solute carrier family 5 member 7; plus strand). Cytogenetic location: 2q12.3.
Variant type: Deletion.
Coding change: c.1601del on transcript NM_021815.5 (MANE Select); coding-DNA position 1601, one base deleted (A; older notation c.1601delA).
Protein change: p.Asn534fs; shifts the reading frame from asparagine 534.
Molecular consequence: frameshift variant.
Genome position (GRCh38, 1-based): chr2:108,010,719, A deleted; the last of 5 consecutive A bases (chr2:108,010,715-108,010,719); deleting any one gives the same sequence. VCF-style (leftmost placement, unchanged base first): chr2-108010714-CA-C. GRCh37 (hg19) VCF-style: chr2-108627170-CA-C.
Other names: c.1601delA (NM_021815.5); c.1601del, p.Asn534fs (NM_001305005.3); c.1286del, p.Asn429fs (NM_001305006.3); c.860del, p.Asn287fs (NM_001305007.3); short protein forms N287fs, N429fs, N534fs.
Identifiers: ClinVar variation 4847942 (VCV004847942.1).

ClinVar aggregate classification (germline): Uncertain significance (1 of 4 stars; one submission).

Submission:

Women's Health and Genetics/Laboratory Corporation of America, LabCorp
Classification: Uncertain significance. Last evaluated: 2026-02-10. Review status: criteria provided, single submitter. Criteria: LabCorp Variant Classification Summary - May 2015. Collection method: clinical testing. Allele origin: germline.
Comment: Variant summary: SLC5A7 c.1601delA (p.Asn534MetfsX6) results in a premature termination codon in the last exon, however, nonsense mediated decay is not expected to occur. The variant was absent in 250908 control chromosomes. The available data on variant occurrences in the general population are insufficient to allow any conclusion about variant significance. To our knowledge, no occurrence of c.1601delA in individuals affected with SLC5A7-related conditions and no experimental evidence demonstrating its impact on protein function have been reported. No submitters have cited clinical-significance assessments for this variant to ClinVar. Based on the evidence outlined above, the variant was classified as uncertain significance.